The following is an entry in ClinVar:

ClinVar aggregate classification (germline): Uncertain significance (1 of 4 stars; one submission).

Conditions:
Hearing impairment. Also called: Impaired Hearing. Identifiers: MedGen C1384666, MONDO:0005365, HP:0000365.

Submission:

Department of Otolaryngology – Head & Neck Surgery, Cochlear Implant Center
Classification: Uncertain significance for Hearing impairment. Last evaluated: 2021-04-12. Review status: criteria provided, single submitter. Criteria: ClinGen HL ACMG Specifications v1. Collection method: clinical testing. Allele origin: germline. Affected: yes.
Comment: PM2_Moderate, PP1_Supporting, PP3_Supporting

NM_005219.5(DIAPH1):c.946C>G (p.Gln316Glu)

Gene: DIAPH1 (diaphanous related formin 1; minus strand). Cytogenetic location: 5q31.3.
Variant type: single nucleotide variant.
Coding change: c.946C>G on transcript NM_005219.5 (MANE Select); coding-DNA position 946, C replaced by G.
Protein change: p.Gln316Glu; replaces glutamine 316 with glutamic acid.
Molecular consequence: missense variant.
Genome position (GRCh38, 1-based): chr5:141,578,613, G>C on the plus strand (C>G on the coding strand, the complement: DIAPH1 is on the minus strand). VCF-style: chr5-141578613-G-C. GRCh37 (hg19) VCF-style: chr5-140958180-G-C.
Other names: c.919C>G, p.Gln307Glu (NM_001079812.3); c.946C>G, p.Gln316Glu (NM_001314007.2); short protein forms Q307E, Q316E.
Identifiers: ClinVar variation 1065027 (VCV001065027.3), dbSNP rs2154596450, ClinGen allele CA361532898.